The following is an entry in ClinVar:

NM_001844.5(COL2A1):c.691G>A (p.Gly231Ser)

Gene: COL2A1 (collagen type II alpha 1 chain; minus strand). Cytogenetic location: 12q13.11.
Variant type: single nucleotide variant.
Coding change: c.691G>A on transcript NM_001844.5 (MANE Select); coding-DNA position 691, G replaced by A.
Protein change: p.Gly231Ser; replaces glycine 231 with serine.
Molecular consequence: missense variant.
Genome position (GRCh38, 1-based): chr12:47,995,727, C>T on the plus strand (G>A on the coding strand, the complement: COL2A1 is on the minus strand). VCF-style: chr12-47995727-C-T. GRCh37 (hg19) VCF-style: chr12-48389510-C-T.
Other names: c.484G>A, p.Gly162Ser (NM_033150.3); short protein forms G162S, G231S.
Identifiers: ClinVar variation 4747080 (VCV004747080.1).

ClinVar aggregate classification (germline): Likely pathogenic (1 of 4 stars; one submission).

Submission:

Labcorp Genetics (formerly Invitae), Labcorp
Classification: Likely pathogenic. Last evaluated: 2025-03-12. Review status: criteria provided, single submitter. Criteria: Invitae Variant Classification Sherloc (09022015). Collection method: clinical testing. Allele origin: germline.
Comment: This sequence change replaces glycine, which is neutral and non-polar, with serine, which is neutral and polar, at codon 231 of the COL2A1 protein (p.Gly231Ser). This variant is not present in population databases (gnomAD no frequency). This variant has not been reported in the literature in individuals affected with COL2A1-related conditions. Invitae Evidence Modeling of protein sequence and biophysical properties (such as structural, functional, and spatial information, amino acid conservation, physicochemical variation, residue mobility, and thermodynamic stability) indicates that this missense variant is expected to disrupt COL2A1 protein function with a positive predictive value of 95%. This variant disrupts the triple helix domain of COL2A1. Glycine residues within the Gly-Xaa-Yaa repeats of the triple helix domain are required for the structure and stability of fibrillar collagens (PMID: 7695699, 8218237, 19344236). In COL2A1, variants affecting these glycine residues are significantly enriched in individuals with disease (PMID: 9016532, 17078022) compared to the general population (ExAC). In summary, the currently available evidence indicates that the variant is pathogenic, but additional data are needed to prove that conclusively. Therefore, this variant has been classified as Likely Pathogenic.

Literature cited by the submitters: PubMed 7695699; PubMed 8218237; PubMed 19344236; PubMed 9016532; PubMed 17078022.